The following is an entry in ClinVar:

ClinVar aggregate classification (germline): Uncertain significance. Review status: criteria provided, multiple submitters, no conflicts (2 of 4 stars). 2 submissions from 2 submitters: Uncertain significance (2). Last evaluated 2025-09-17.

Conditions:
IFT27-related disorder. Also called: IFT27-related condition.

Allele frequency attached by ClinVar (database versions not stated): gnomAD 0.00001; gnomAD exomes 0.00001; TOPMed 0.00001.
gnomAD v4.1: 18 of 1,614,046 alleles (0.0011%); highest among the groups gnomAD compares: Non-Finnish European, 0.0014%; no homozygotes.

Submissions (2):

PreventionGenetics, part of Exact Sciences
Classification: Uncertain significance for IFT27-related condition. Last evaluated: 2025-09-17. Review status: criteria provided, single submitter. Criteria: ACMG Guidelines, 2015. Collection method: clinical testing. Allele origin: germline.
Comment: The IFT27 c.89A>G variant is predicted to result in the amino acid substitution p.His30Arg. To our knowledge, this variant has not been reported in the literature or in a large population database (gnomAD), indicating this variant is rare. At this time, the clinical significance of this variant is uncertain due to the absence of conclusive functional and genetic evidence.

Labcorp Genetics (formerly Invitae), Labcorp
Classification: Uncertain significance. Last evaluated: 2021-09-01. Review status: criteria provided, single submitter. Criteria: Invitae Variant Classification Sherloc (09022015). Collection method: clinical testing. Allele origin: germline.
Comment: This sequence change replaces histidine with arginine at codon 30 of the IFT27 protein (p.His30Arg). The histidine residue is highly conserved and there is a small physicochemical difference between histidine and arginine. This variant is not present in population databases (ExAC no frequency). This variant has not been reported in the literature in individuals affected with IFT27-related conditions. Algorithms developed to predict the effect of missense changes on protein structure and function (SIFT, PolyPhen-2, Align-GVGD) all suggest that this variant is likely to be tolerated. In summary, the available evidence is currently insufficient to determine the role of this variant in disease. Therefore, it has been classified as a Variant of Uncertain Significance.

NM_001177701.3(IFT27):c.92A>G (p.His31Arg)

Gene: IFT27 (intraflagellar transport 27; minus strand). Cytogenetic location: 22q12.3.
Variant type: single nucleotide variant.
Coding change: c.92A>G on transcript NM_001177701.3 (MANE Select); coding-DNA position 92, A replaced by G.
Protein change: p.His31Arg; replaces histidine 31 with arginine.
Molecular consequence: missense variant.
Genome position (GRCh38, 1-based): chr22:36,767,805, T>C on the plus strand (A>G on the coding strand, the complement: IFT27 is on the minus strand). VCF-style: chr22-36767805-T-C. GRCh37 (hg19) VCF-style: chr22-37163849-T-C.
Other names: c.92A>G, p.His31Arg (NM_001363003.2); c.89A>G, p.His30Arg (NM_006860.5); c.89A>G (NM_006860.4); short protein forms H30R, H31R.
Identifiers: ClinVar variation 1010836 (VCV001010836.7), dbSNP rs953156224, ClinGen allele CA324009469.